The following is an entry in ClinVar:

NM_001127895.2(CHST8):c.417C>A (p.Pro139=)

Gene: CHST8 (carbohydrate sulfotransferase 8; plus strand). Cytogenetic location: 19q13.11.
Variant type: single nucleotide variant.
Coding change: c.417C>A on transcript NM_001127895.2 (MANE Select); coding-DNA position 417, C replaced by A.
Protein change: p.Pro139=; no amino-acid change (proline 139 retained).
Molecular consequence: synonymous variant.
Genome position (GRCh38, 1-based): chr19:33,772,205, C>A. VCF-style: chr19-33772205-C-A. GRCh37 (hg19) VCF-style: chr19-34263110-C-A.
Other names: c.417C>A, p.Pro139= (NM_001127896.2, NM_022467.3).
Identifiers: ClinVar variation 3046750 (VCV003046750.2), dbSNP rs768636087, ClinGen allele CA9364732.
Genomic context (GRCh38, chr19:33,772,205, plus strand): 5'-GCCAGCTGCGGCGACCATCCCGGCCAACAGCTCGGACGCGCCCTTCATCCGGCCGGGACC[C>A]GGGACGCTGGATGGCCGCTGGGTCAGCCTGCACCGGAGCCAGCAGGAGCGCAAGCGGGTG-3'
Protein context (NP_001121367.1, residues 129-149): SSDAPFIRPG[Pro139=]GTLDGRWVSL

ClinVar aggregate classification (germline): Likely benign (0 of 4 stars; one submission).

Conditions:
CHST8-related disorder. Also called: CHST8-related condition.

Allele frequency attached by ClinVar (database versions not stated): ExAC 0.00016; TOPMed 0.00020; gnomAD 0.00023.
gnomAD v4.1: 73 of 1,594,182 alleles (0.0046%); highest among the groups gnomAD compares: African/African-American, 0.071%; no homozygotes.

Submission:

PreventionGenetics, part of Exact Sciences
Classification: Likely benign for CHST8-related condition. Last evaluated: 2024-01-31. Review status: no assertion criteria provided. Collection method: clinical testing. Allele origin: germline.
Comment: This variant is classified as likely benign based on ACMG/AMP sequence variant interpretation guidelines (Richards et al. 2015 PMID: 25741868, with internal and published modifications).